The following is an entry in ClinVar:

ClinVar aggregate classification (germline): Uncertain significance (1 of 4 stars; one submission).

gnomAD v4.1: 1 of 1,613,396 alleles (0.000062%); highest among the groups gnomAD compares: Non-Finnish European, 0.000085%; no homozygotes.

Submission:

GeneDx
Classification: Uncertain significance. Last evaluated: 2023-07-12. Review status: criteria provided, single submitter. Criteria: GeneDx Variant Classification Process June 2021. Collection method: clinical testing. Allele origin: germline. Affected: yes.
Comment: Not observed at significant frequency in large population cohorts (gnomAD); In silico analysis supports that this missense variant has a deleterious effect on protein structure/function; Has not been previously published as pathogenic or benign to our knowledge

NM_001080397.3(SLC45A1):c.1606T>C (p.Ser536Pro)

Gene: SLC45A1 (solute carrier family 45 member 1; plus strand). Cytogenetic location: 1p36.23.
Variant type: single nucleotide variant.
Coding change: c.1606T>C on transcript NM_001080397.3 (MANE Select); coding-DNA position 1606, T replaced by C.
Protein change: p.Ser536Pro; replaces serine 536 with proline.
Molecular consequence: missense variant.
Genome position (GRCh38, 1-based): chr1:8,337,824, T>C. VCF-style: chr1-8337824-T-C. GRCh37 (hg19) VCF-style: chr1-8397884-T-C.
Other names: c.1630T>C, p.Ser544Pro (NM_001379614.1); c.1537T>C, p.Ser513Pro (NM_001379615.1); c.1513T>C, p.Ser505Pro (NM_001379616.1); c.1024T>C, p.Ser342Pro (NM_001379617.1); c.1000T>C, p.Ser334Pro (NM_001379618.1); short protein forms S334P, S342P, S505P, S513P, S536P, S544P.
Identifiers: ClinVar variation 3360792 (VCV003360792.1).